The following is an entry in ClinVar:

NM_001023570.4(IQCB1):c.101-9T>A

Gene: IQCB1 (IQ motif containing B1; minus strand). Cytogenetic location: 3q13.33.
Variant type: single nucleotide variant.
Coding change: c.101-9T>A on transcript NM_001023570.4 (MANE Select); 9 bases into the intron before coding-DNA position 101, T replaced by A.
Molecular consequence: intron variant.
Genome position (GRCh38, 1-based): chr3:121,828,641, A>T on the plus strand (T>A on the coding strand, the complement: IQCB1 is on the minus strand). VCF-style: chr3-121828641-A-T. GRCh37 (hg19) VCF-style: chr3-121547488-A-T.
Other names: c.101-9T>A (NM_001319107.2, NM_001023571.4, NM_001023570.3).
Identifiers: ClinVar variation 1141878 (VCV001141878.11), dbSNP rs753647177, ClinGen allele CA2567509.

ClinVar aggregate classification (germline): Likely benign. Review status: criteria provided, single submitter (1 of 4 stars). 2 submissions from 2 submitters: Likely benign (1). 1 of the submissions does not count toward it. Last evaluated 2025-08-21.

Conditions:
IQCB1-related disorder. Also called: IQCB1-related condition.
Nephronophthisis. Also called: Juvenile Nephronophthisis. Identifiers: Orphanet 655, MedGen C0687120, MONDO:0019005, HP:0000090.

Allele frequency attached by ClinVar (database versions not stated): TOPMed below 0.00001; ExAC 0.00001; gnomAD 0.00001; gnomAD exomes 0.00001 and 0.00002.
gnomAD v4.1: 24 of 1,573,174 alleles (0.0015%); highest among the groups gnomAD compares: Non-Finnish European, 0.002%; no homozygotes.

Submissions (2):

Labcorp Genetics (formerly Invitae), Labcorp
Classification: Likely benign for Nephronophthisis. Last evaluated: 2025-08-21. Review status: criteria provided, single submitter. Criteria: Invitae Variant Classification Sherloc (09022015). Collection method: clinical testing. Allele origin: germline.

PreventionGenetics, part of Exact Sciences
Classification: Likely benign for IQCB1-related condition. Last evaluated: 2019-10-17. Review status: no assertion criteria provided. Collection method: clinical testing. Allele origin: germline. Not counted in ClinVar's aggregate classification.
Comment: This variant is classified as likely benign based on ACMG/AMP sequence variant interpretation guidelines (Richards et al. 2015 PMID: 25741868, with internal and published modifications).